The following is an entry in ClinVar:

NM_000384.3(APOB):c.3164G>A (p.Arg1055Gln)

Gene: APOB (apolipoprotein B; minus strand). Cytogenetic location: 2p24.1.
Variant type: single nucleotide variant.
Coding change: c.3164G>A on transcript NM_000384.3 (MANE Select); coding-DNA position 3164, G replaced by A.
Protein change: p.Arg1055Gln; replaces arginine 1055 with glutamine.
Molecular consequence: missense variant.
Genome position (GRCh38, 1-based): chr2:21,016,607, C>T on the plus strand (G>A on the coding strand, the complement: APOB is on the minus strand). VCF-style: chr2-21016607-C-T. GRCh37 (hg19) VCF-style: chr2-21239479-C-T.
Other names: short protein forms R1055Q.
Identifiers: ClinVar variation 4082890 (VCV004082890.1), dbSNP rs939540692.

ClinVar aggregate classification (germline): Uncertain significance (1 of 4 stars; one submission).

Allele frequency attached by ClinVar (database versions not stated): gnomAD exomes 0.00001.
gnomAD v4.1: 17 of 1,612,332 alleles (0.0011%); highest among the groups gnomAD compares: South Asian, 0.0022%; no homozygotes.

Submission:

GeneDx
Classification: Uncertain significance. Last evaluated: 2025-03-12. Review status: criteria provided, single submitter. Criteria: GeneDx Variant Classification Process June 2021. Collection method: clinical testing. Allele origin: germline. Affected: yes.
Comment: Not observed at significant frequency in large population cohorts (gnomAD); In silico analysis supports that this missense variant has a deleterious effect on protein structure/function; Has not been previously published as pathogenic or benign to our knowledge